The following is an entry in ClinVar:

NM_153603.4(COG7):c.59C>T (p.Ala20Val)

Genes: COG7 (component of oligomeric golgi complex 7; minus strand), LOC130058658 (ATAC-STARR-seq lymphoblastoid active region 10580; plus strand). Cytogenetic location: 16p12.2.
Variant type: single nucleotide variant.
Coding change: c.59C>T on transcript NM_153603.4 (MANE Select); coding-DNA position 59, C replaced by T.
Protein change: p.Ala20Val; replaces alanine 20 with valine.
Molecular consequence: missense variant.
Genome position (GRCh38, 1-based): chr16:23,452,936, G>A on the plus strand (C>T on the coding strand, the complement: COG7 is on the minus strand). VCF-style: chr16-23452936-G-A. GRCh37 (hg19) VCF-style: chr16-23464257-G-A.
Other names: p.Ala20Val; short protein forms A20V.
Identifiers: ClinVar variation 2311385 (VCV002311385.3), dbSNP rs2506686181, ClinGen allele CA395118412.

ClinVar aggregate classification (germline): Uncertain significance. Review status: criteria provided, multiple submitters, no conflicts (2 of 4 stars). 2 submissions from 2 submitters: Uncertain significance (2). Last evaluated 2022-09-07.

Conditions:
Inborn genetic diseases. Identifiers: MedGen C0950123, MeSH D030342.

Submissions (2):

Ambry Genetics
Classification: Uncertain significance for Inborn genetic diseases. Last evaluated: 2022-09-07. Review status: criteria provided, single submitter. Criteria: Ambry Variant Classification Scheme 2023. Collection method: clinical testing. Allele origin: germline.

Mayo Clinic Laboratories, Mayo Clinic
Classification: Uncertain significance. Last evaluated: 2022-06-08. Review status: criteria provided, single submitter. Criteria: ACMG Guidelines, 2015. Collection method: clinical testing. Allele origin: germline. Observed: 1 variant allele.
Comment: PM2